The following is an entry in ClinVar:

ClinVar aggregate classification (germline): Pathogenic (1 of 4 stars; one submission).

Conditions:
X-linked agammaglobulinemia with growth hormone deficiency (IGHD3). Also called: ISOLATED GROWTH HORMONE DEFICIENCY, TYPE III, WITH AGAMMAGLOBULINEMIA; FLEISHER SYNDROME; HYPOGAMMAGLOBULINEMIA AND ISOLATED GROWTH HORMONE DEFICIENCY, X-LINKED; IGHD III; AGAMMAGLOBULINEMIA AND ISOLATED GROWTH HORMONE DEFICIENCY, X-LINKED; Isolated growth hormone deficiency type 3. Identifiers: Orphanet 231692, Orphanet 631, MedGen C0472813, MONDO:0010615, OMIM 307200.

Allele frequency attached by ClinVar (database versions not stated): TOPMed below 0.00001.

Submission:

Labcorp Genetics (formerly Invitae), Labcorp
Classification: Pathogenic for X-linked agammaglobulinemia with growth hormone deficiency. Last evaluated: 2023-10-13. Review status: criteria provided, single submitter. Criteria: Invitae Variant Classification Sherloc (09022015). Collection method: clinical testing. Allele origin: germline.
Comment: This sequence change replaces cysteine, which is neutral and slightly polar, with tyrosine, which is neutral and polar, at codon 502 of the BTK protein (p.Cys502Tyr). This variant is not present in population databases (gnomAD no frequency). This missense change has been observed in individuals with agammaglobulinemia (PMID: 21039741, 34182127). This variant is also known as c.1637G>A. ClinVar contains an entry for this variant (Variation ID: 1455580). Advanced modeling of protein sequence and biophysical properties (such as structural, functional, and spatial information, amino acid conservation, physicochemical variation, residue mobility, and thermodynamic stability) performed at Invitae indicates that this missense variant is expected to disrupt BTK protein function. Studies have shown that this missense change alters BTK gene expression (PMID: 34182127). This variant disrupts the p.Cys502 amino acid residue in BTK. Other variant(s) that disrupt this residue have been observed in individuals with BTK-related conditions (PMID: 8695804, 21039741, 25777788), which suggests that this may be a clinically significant amino acid residue. For these reasons, this variant has been classified as Pathogenic.

Literature cited by the submitters: PubMed 21039741; PubMed 34182127; PubMed 8695804; PubMed 25777788.

NM_000061.3(BTK):c.1505G>A (p.Cys502Tyr)

Gene: BTK (Bruton tyrosine kinase; minus strand). Cytogenetic location: Xq22.1.
Variant type: single nucleotide variant.
Coding change: c.1505G>A on transcript NM_000061.3 (MANE Select); coding-DNA position 1505, G replaced by A.
Protein change: p.Cys502Tyr; replaces cysteine 502 with tyrosine.
Molecular consequence: missense variant. On other transcripts: intron variant (1).
Genome position (GRCh38, 1-based): chrX:101,356,113, C>T on the plus strand (G>A on the coding strand, the complement: BTK is on the minus strand). VCF-style: chrX-101356113-C-T. GRCh37 (hg19) VCF-style: chrX-100611101-C-T.
Other names: c.1607G>A, p.Cys536Tyr (NM_001287344.2); c.1039-1419G>A (NM_001287345.2); short protein forms C502Y, C536Y.
Identifiers: ClinVar variation 1455580 (VCV001455580.6), dbSNP rs1313261352, ClinGen allele CA413923636.